The following is an entry in ClinVar:

NM_212482.4(FN1):c.5651A>G (p.Tyr1884Cys)

Gene: FN1 (fibronectin 1; minus strand). Cytogenetic location: 2q35.
Variant type: single nucleotide variant.
Coding change: c.5651A>G on transcript NM_212482.4 (MANE Select); coding-DNA position 5651, A replaced by G.
Protein change: p.Tyr1884Cys; replaces tyrosine 1884 with cysteine.
Molecular consequence: missense variant.
Genome position (GRCh38, 1-based): chr2:215,378,234, T>C on the plus strand (A>G on the coding strand, the complement: FN1 is on the minus strand). VCF-style: chr2-215378234-T-C. GRCh37 (hg19) VCF-style: chr2-216242957-T-C.
Other names: c.5651A>G, p.Tyr1884Cys (NM_001306129.2); c.5381A>G, p.Tyr1794Cys (NM_001306130.2, NM_001365517.2, NM_001365519.2 and 2 more transcripts); c.5108A>G, p.Tyr1703Cys (NM_001306131.2, NM_001306132.2, NM_001365523.2 and 2 more transcripts); c.5378A>G, p.Tyr1793Cys (NM_001365518.2, NM_001365520.2, NM_001365524.2 and 2 more transcripts); short protein forms Y1884C, Y1703C, Y1793C, Y1794C.
Identifiers: ClinVar variation 585091 (VCV000585091.18), dbSNP rs199890235, ClinGen allele CA2094066.

ClinVar aggregate classification (germline): Benign/Likely benign. Review status: criteria provided, multiple submitters, no conflicts (2 of 4 stars). 2 submissions from 2 submitters: Benign (1); Likely benign (1). Last evaluated 2026-01-25.

Conditions:
Plasma fibronectin deficiency. Identifiers: MedGen C2675436, MONDO:0013575, OMIM 614101.
Glomerulopathy with fibronectin deposits 2 (GFND2). Identifiers: Orphanet 84090, MedGen C1866075, MONDO:0011165, OMIM 601894.

Allele frequency attached by ClinVar (database versions not stated): ESP Exome Variant Server 0.00015; ExAC 0.00025; gnomAD exomes 0.00029 and 0.00013; 1000 Genomes Project 30x 0.00031; 1000 Genomes Project 0.00040; gnomAD 0.00010 and 0.00011; TOPMed 0.00014.
gnomAD v4.1: 219 of 1,611,810 alleles (0.014%); highest among the groups gnomAD compares: South Asian, 0.059%; 1 homozygote.

Submissions (2):

Labcorp Genetics (formerly Invitae), Labcorp
Classification: Benign. Last evaluated: 2026-01-25. Review status: criteria provided, single submitter. Criteria: Invitae Variant Classification Sherloc (09022015). Collection method: clinical testing. Allele origin: germline.

CeGaT Center for Human Genetics Tuebingen
Classification: Likely benign. Last evaluated: 2025-03-01. Review status: criteria provided, single submitter. Criteria: CeGaT Center For Human Genetics Tuebingen Variant Classification Criteria Version 2. Collection method: clinical testing. Allele origin: germline. Affected: yes. Observed: 1 variant allele.
Comment: FN1: PP2, BS2